The following is an entry in ClinVar:

ClinVar aggregate classification (germline): Likely benign (1 of 4 stars; one submission).

gnomAD v4.1: 18 of 1,614,008 alleles (0.0011%); highest among the groups gnomAD compares: Middle Eastern, 0.033%; no homozygotes.

Submission:

CeGaT Center for Human Genetics Tuebingen
Classification: Likely benign. Last evaluated: 2025-11-01. Review status: criteria provided, single submitter. Criteria: CeGaT Center For Human Genetics Tuebingen Variant Classification Criteria Version 2. Collection method: clinical testing. Allele origin: germline. Affected: yes. Observed: 1 variant allele.
Comment: PPFIBP2: BP4, BP7

NM_003621.5(PPFIBP2):c.1353G>A (p.Thr451=)

Gene: PPFIBP2 (PPFIB scaffold protein 2; plus strand). Cytogenetic location: 11p15.4.
Variant type: single nucleotide variant.
Coding change: c.1353G>A on transcript NM_003621.5 (MANE Select); coding-DNA position 1353, G replaced by A.
Protein change: p.Thr451=; no amino-acid change (threonine 451 retained).
Molecular consequence: synonymous variant. On other transcripts: non-coding transcript variant (1).
Genome position (GRCh38, 1-based): chr11:7,639,848, G>A. VCF-style: chr11-7639848-G-A. GRCh37 (hg19) VCF-style: chr11-7661079-G-A.
Other names: c.1017G>A, p.Thr339= (NM_001256568.2); c.924G>A, p.Thr308= (NM_001256569.2); c.1353G>A, p.Thr451= (NM_001351853.2, NM_001351854.2, NM_001351855.2 and 1 more transcripts); c.1359G>A, p.Thr453= (NM_001351856.2); c.1122G>A, p.Thr374= (NM_001351857.2, NM_001351858.2, NM_001351859.2 and 1 more transcripts); c.1146G>A, p.Thr382= (NM_001351860.2).
Identifiers: ClinVar variation 4533564 (VCV004533564.6).